The following continues an entry in ClinVar:

NM_000169.3(GLA):c.335G>A (p.Arg112His)

ClinVar aggregate classification (germline): Pathogenic/Likely pathogenic. Pathogenic (23); Likely pathogenic (1).

Submissions 7 to 17 of 28:

Victorian Clinical Genetics Services, Murdoch Childrens Research Institute
Classification: Pathogenic for Fabry disease. Last evaluated: 2025-09-09. Review status: criteria provided, single submitter. Criteria: ACMG Guidelines, 2015. Collection method: clinical testing. Allele origin: germline. Affected: no.
Comment: This variant is classified as Pathogenic. Evidence in support of pathogenic classification: Variant is present in gnomAD <0.01 for a recessive condition (v4: 13 heterozygote(s), 0 homozygote(s), 9 hemizygote(s)) ; This variant has strong previous evidence of pathogenicity in unrelated individuals. It has been classified as likely pathogenic and pathogenic by clinical laboratories in ClinVar. It is reported in association with non-classic and late-onset Fabry disease, often resulting in proteinuria only (PMIDs: 38903807, 34803097, 31996269, 27560961), and rarely patients present cardiac features such as left ventricular hypertrophy (PMIDs: 38903807, 27560961); This variant has moderate functional evidence supporting abnormal protein function. Individuals with this variant often present low enzyme activity; however, they also have lyso-Gb3 values close to normal (PMIDs: 27560961, 38937656, 39499245); Other missense variant(s) comparable to the one identified in this case have very strong previous evidence for pathogenicity. Both p.(Arg112Leu) and p.(Arg112Cys) have been classified as pathogenic by clinical laboratories in ClinVar. In addition, p.(Arg112Cys) is a well known pathogenic variant associated with classic Fabry disease (ClinVar, PMID: 30386727); Missense variant predicted to be damaging by in silico tool(s) or highly conserved with a major amino acid change. Additional information: Variant is predicted to result in a missense amino acid change from Arg to His; This variant is hemizygous; This gene is associated with X-linked disease. Both males and females have been reported with Fabry disease; however, females are more rarely reported and tend to have milder disease (OMIM); Loss of function and dominant negative are known mechanisms of disease in this gene and are associated with Fabry disease (MIM#301500). While most variants result in a complete or partial loss of enzyme activity, truncating variants in the last exon have been suggested to exert a dominant negative effect in females. Gain of function has also been suggested; however, more evidence is required (PMID: 8878432, 31613176); Variants in this gene are known to have variable expressivity. Skewed X-inactivation in females and different levels of residual enzyme activity may explain the variability in severity (PMIDs: 27560961, 34803097); Inheritance information for this variant is not currently available in this individual.

3billion
Classification: Pathogenic for Fabry disease. Last evaluated: 2025-05-07. Review status: criteria provided, single submitter. Criteria: ACMG Guidelines, 2015. Collection method: clinical testing. Allele origin: germline. Affected: yes.
Comment: The variant is observed at an extremely low frequency in the gnomAD v4.1.0 dataset (total allele frequency: 0.002%). Predicted Consequence/Location: Missense variant Functional studies provide strong evidence of the variant having a damaging effect on the gene or gene product (PMID: 17555407, 32023956). In silico tool predictions suggest damaging effect of the variant on gene or gene product [REVEL: 0.97 (>=0.6, sensitivity 0.68 and specificity 0.92)]. The same nucleotide change resulting in the same amino acid change has been previously reported as pathogenic/likely pathogenic with strong evidence (ClinVar ID: VCV000195028 /PMID: 7531540). The variant has been observed in multiple (>3) similarly affected unrelated individuals (PMID: 18205205, 25026990, 25040344, 33204599, 34803097, 37480128, 7531540). Different missense changes at the same codon (p.Arg112Cys, p.Arg112Leu, p.Arg112Ser) have been reported as pathogenic/likely pathogenic with strong evidence (ClinVar ID: VCV000092550, VCV000092551 /PMID: 1315715, 15712228, 28337063). Therefore, this variant is classified as Pathogenic according to the recommendation of ACMG/AMP guideline.

Clinical Genetics Laboratory, Skane University Hospital Lund
Classification: Pathogenic for Fabry disease. Last evaluated: 2025-04-03. Review status: criteria provided, single submitter. Criteria: ACMG Guidelines, 2015. Collection method: clinical testing. Allele origin: germline. Affected: yes.
Comment: PS3_Supporting, PS4, PM5, PP3 and PP4 strong

Ambry Genetics
Classification: Pathogenic for Cardiovascular phenotype. Last evaluated: 2024-12-23. Review status: criteria provided, single submitter. Criteria: Ambry Variant Classification Scheme 2023. Collection method: clinical testing. Allele origin: germline.
Comment: The p.R112H pathogenic mutation (also known as c.335G>A), located in coding exon 2 of the GLA gene, results from a G to A substitution at nucleotide position 335. The arginine at codon 112 is replaced by histidine, an amino acid with highly similar properties. This variant was reported in individual(s) with features consistent with Fabry disease and is described as being associated with later onset disease (Weidemann F et al. Mol. Genet. Metab., 2019 Feb;126:169-182; Sakuraba H et al. Mol Genet Metab Rep, 2018 Dec;17:73-79; Natarajan P et al. Sci Transl Med, 2016 11;8:364ra151; Riera C et al. Proteins, 2015 Jan;83:91-104; Smid BE et al. Clin. Genet., 2015 Aug;88:161-6; Nishida M et al. Eur. J. Pediatr., 2014 Aug;173:1111-4; Sechi A et al. BMC Cardiovasc Disord, 2014 Jul;14:86). In multiple assays testing GLA function, this variant showed functionally abnormal results (Ishii S et al. Biochem. J., 2007 Sep;406:285-95; Lukas J et al. PLoS Genet., 2013 Aug;9:e1003632; Saito S et al. PLoS ONE, 2013 Dec;8:e84267; Shimotori M et al. Hum. Mutat., 2008 Feb;29:331; Shin SH et al. Biochem. Biophys. Res. Commun., 2007 Jul;359:168-73). This variant is considered to be rare based on population cohorts in the Genome Aggregation Database (gnomAD). This amino acid position is highly conserved in available vertebrate species. In addition, this alteration is predicted to be deleterious by in silico analysis. Based on the supporting evidence, this alteration is interpreted as a disease-causing mutation.

All of Us Research Program, National Institutes of Health
Classification: Pathogenic for Fabry disease. Last evaluated: 2024-07-10. Review status: criteria provided, single submitter. Criteria: ACMG Guidelines, 2015. Collection method: clinical testing. Allele origin: germline. Inheritance: X-linked inheritance. Observed: 1 variant allele, 1 hemizygote.
Comment: This missense variant replaces arginine with histidine at codon 112 of the GLA protein. Computational prediction tools indicate that this variant has a deleterious impact on protein structure and function. Functional studies in both cells derived from hemizygous carrier individuals and in heterologous transfected cell lines have shown that this variant causes a significant reduction in residual GLA activity (PMID: 17555407, 18205205, 32023956). This variant has been reported in at least 10 unrelated hemizygous males and heterozygous females affected with non-classical, variant Fabry disease (PMID: 17555407, 18205205, 25040344, 25026990, 33204599, 34803097, 37480128; Zhiyon 2012); in many cases, GLA enzyme activity was significantly reduced and in the range observed with classical Fabry disease. A different variant occurring at the same codon, p.Arg112Cys, is considered to be disease-causing (Clinvar variation ID: 92550), indicating that arginine at this position is important for GLA protein function. This variant has been identified in 2/183395 chromosomes in the general population by the Genome Aggregation Database (gnomAD). Based on the available evidence, this variant is classified as Pathogenic.

This study involves interpretation of variants in research participants for the purpose of population health screening. Participant phenotype was not available at the time of variant classification. Additional details can be found in publication PMID: 35346344, PMCID: PMC8962531

Revvity Omics, Revvity
Classification: Pathogenic. Last evaluated: 2024-06-20. Review status: criteria provided, single submitter. Criteria: ACMG Guidelines, 2015. Collection method: clinical testing. Allele origin: germline.

Mayo Clinic Laboratories, Mayo Clinic
Classification: Pathogenic. Last evaluated: 2024-02-23. Review status: criteria provided, single submitter. Criteria: ACMG Guidelines, 2015. Collection method: clinical testing. Allele origin: germline. Observed: 1 variant allele.

Institute of Medical Genetics and Applied Genomics, University Hospital Tübingen
Classification: Pathogenic for Fabry disease. Last evaluated: 2023-02-13. Review status: criteria provided, single submitter. Criteria: ACMG Guidelines, 2015. Collection method: clinical testing. Allele origin: germline. Inheritance: X-linked recessive inheritance. Affected: yes.

MGZ Medical Genetics Center
Classification: Pathogenic for Fabry disease. Last evaluated: 2022-06-02. Review status: criteria provided, single submitter. Criteria: ACMG Guidelines, 2015. Collection method: clinical testing. Allele origin: germline. Affected: yes. Observed: 1 variant allele.
Comment: ACMG criteria applied: PS4, PS3_MOD, PM3, PM5, PM2_SUP, PP3

Women's Health and Genetics/Laboratory Corporation of America, LabCorp
Classification: Pathogenic for Fabry disease. Last evaluated: 2022-05-20. Review status: criteria provided, single submitter. Criteria: LabCorp Variant Classification Summary - May 2015. Collection method: clinical testing. Allele origin: germline.
Comment: Variant summary: GLA c.335G>A (p.Arg112His) results in a non-conservative amino acid change in the encoded protein sequence. Five of five in-silico tools predict a damaging effect of the variant on protein function. The variant allele was found at a frequency of 1.1e-05 in 183395 control chromosomes. c.335G>A has been reported in the literature in many individuals affected with classical and non-classical, late onset Fabry Disease (example Schafer_2005, Shimotori_2007, Sirrs_2010, vanderTol_2016, Weidemann_2020, Nampoothiri_2020, Muto_2021). These data indicate that the variant is very likely to be associated with disease. Multiple publications report experimental evidence indicating that the variant severely impacts the enzymatic activity of the protein, resulting in <10% of normal activity (Ishii_2007, Shimotori_2007, Lukas_2013). Nine clinical diagnostic laboratories and three research groups have submitted clinical-significance assessments for this variant to ClinVar after 2014 without evidence for independent evaluation. All classified the variant as pathogenic (n=9) or likely pathogenic (n=3). Based on the evidence outlined above, the variant was classified as pathogenic.

Genome-Nilou Lab
Classification: Likely pathogenic for Fabry disease. Last evaluated: 2021-07-15. Review status: criteria provided, single submitter. Criteria: ACMG Guidelines, 2015. Collection method: clinical testing. Allele origin: germline. Affected: no.